The following is an entry in ClinVar:

ClinVar aggregate classification (germline): Likely benign (1 of 4 stars; one submission).

Conditions:
Hypermanganesemia with dystonia, polycythemia, and cirrhosis (HMNDYT1). Also called: Hepatic Cirrhosis, Dystonia, Polycythemia and Hypermanganesemia; Cirrhosis - dystonia - polycythemia - hypermanganesemia syndrome; Hypermanganesemia with Dystonia 1. Identifiers: Orphanet 309854, MedGen C2750442, MONDO:0013208, OMIM 613280.

Allele frequency attached by ClinVar (database versions not stated): 1000 Genomes Project 0.00080; 1000 Genomes Project 30x 0.00094; gnomAD 0.00233 and 0.00246; TOPMed 0.00238.

Submission:

Illumina Laboratory Services, Illumina
Classification: Likely benign for Hypermanganesemia with dystonia, polycythemia, and cirrhosis. Last evaluated: 2018-01-13. Review status: criteria provided, single submitter. Criteria: ICSL Variant Classification Criteria 13 December 2019. Collection method: clinical testing. Allele origin: germline.
Comment: This variant was observed in the ICSL laboratory as part of a predisposition screen in an ostensibly healthy population. It had not been previously curated by ICSL or reported in the Human Gene Mutation Database (HGMD: prior to June 1st, 2018), and was therefore a candidate for classification through an automated scoring system. Utilizing variant allele frequency, disease prevalence and penetrance estimates, and inheritance mode, an automated score was calculated to assess if this variant is too frequent to cause the disease. Based on the score and internal cut-off values, a variant classified as likely benign is not then subjected to further curation. The score for this variant resulted in a classification of likely benign for this disease.

NM_018713.3(SLC30A10):c.*945C>T

Gene: SLC30A10 (solute carrier family 30 member 10; minus strand). Cytogenetic location: 1q41.
Variant type: single nucleotide variant.
Coding change: c.*945C>T on transcript NM_018713.3 (MANE Select); 945 bases downstream of the stop codon, C replaced by T.
Molecular consequence: 3 prime UTR variant. On other transcripts: non-coding transcript variant (2).
Genome position (GRCh38, 1-based): chr1:219,914,504, G>A on the plus strand (C>T on the coding strand, the complement: SLC30A10 is on the minus strand). VCF-style: chr1-219914504-G-A. GRCh37 (hg19) VCF-style: chr1-220087846-G-A.
Other names: c.*945C>T (NM_001376929.1).
Identifiers: ClinVar variation 295577 (VCV000295577.5), dbSNP rs115277486, ClinGen allele CA10610085.